The following is an entry in ClinVar:

ClinVar aggregate classification (germline): Benign/Likely benign. Review status: criteria provided, multiple submitters, no conflicts (2 of 4 stars). 13 submissions from 13 submitters: Benign (8); Likely benign (4). 1 of the submissions does not count toward it. Last evaluated 2026-02-04.

Conditions:
Kidney disorder. Also called: renal disease; Kidney disease; Kidney Diseases; Nephropathy; renal disorder. Identifiers: MedGen C0022658, MONDO:0005240, HP:0000112.
Alport syndrome. Also called: Hemorrhagic familial nephritis; Hemorrhagic hereditary nephritis; Congenital hereditary hematuria. Identifiers: Orphanet 63, MedGen C1567741, MONDO:0018965.
Autosomal recessive Alport syndrome (ATS2). Also called: Alport syndrome type 2; COL4A3-Related Nephropathy; COL4A4 Alport Syndrome and Thin Basement Membrane Nephropathy; ALPORT SYNDROME 2, AUTOSOMAL RECESSIVE. Identifiers: Orphanet 63, Orphanet 88919, MedGen C4746745, MONDO:0008762, OMIM 203780.

Allele frequency attached by ClinVar (database versions not stated): gnomAD exomes 0.00205; gnomAD 0.02275; ESP Exome Variant Server 0.02333; 1000 Genomes Project 0.02336; TOPMed 0.02473; 1000 Genomes Project 30x 0.02561.
gnomAD v4.1: 6,330 of 1,614,088 alleles (0.39%); highest among the groups gnomAD compares: African/African-American, 7.3%; 231 homozygotes.

Submissions (13):

Labcorp Genetics (formerly Invitae), Labcorp
Classification: Benign. Last evaluated: 2026-02-04. Review status: criteria provided, single submitter. Criteria: Invitae Variant Classification Sherloc (09022015). Collection method: clinical testing. Allele origin: germline.

Women's Health and Genetics/Laboratory Corporation of America, LabCorp
Classification: Likely benign. Last evaluated: 2024-11-29. Review status: criteria provided, single submitter. Criteria: LabCorp Variant Classification Summary - May 2015. Collection method: clinical testing. Allele origin: germline.

Blueprint Genetics
Classification: Likely benign. Last evaluated: 2024-11-06. Review status: criteria provided, single submitter. Criteria: ACMG Guidelines, 2015. Collection method: clinical testing. Allele origin: germline.

Mayo Clinic Laboratories, Mayo Clinic
Classification: Benign. Last evaluated: 2023-03-29. Review status: criteria provided, single submitter. Criteria: ACMG Guidelines, 2015. Collection method: clinical testing. Allele origin: germline. Observed: 7 variant alleles.
Comment: BA1, BS2, BP4

Genome Diagnostics Laboratory, The Hospital for Sick Children
Classification: Benign for Kidney disorder. Last evaluated: 2019-11-01. Review status: criteria provided, single submitter. Criteria: ACMG Guidelines, 2015. Collection method: clinical testing. Allele origin: germline.

Illumina Laboratory Services, Illumina
Classification: Benign for Alport syndrome. Last evaluated: 2018-01-13. Review status: criteria provided, single submitter. Criteria: ICSL Variant Classification Criteria 13 December 2019. Collection method: clinical testing. Allele origin: germline.
Comment: This variant was observed in the ICSL laboratory as part of a predisposition screen in an ostensibly healthy population. It had not been previously curated by ICSL or reported in the Human Gene Mutation Database (HGMD: prior to June 1st, 2018), and was therefore a candidate for classification through an automated scoring system. Utilizing variant allele frequency, disease prevalence and penetrance estimates, and inheritance mode, an automated score was calculated to assess if this variant is too frequent to cause the disease. Based on the score and internal cut-off values, a variant classified as benign is not then subjected to further curation. The score for this variant resulted in a classification of benign for this disease.

GeneDx
Classification: Benign. Last evaluated: 2017-11-22. Review status: criteria provided, single submitter. Criteria: GeneDx Variant Classification (06012015). Collection method: clinical testing. Allele origin: germline. Affected: yes.
Comment: This variant is considered likely benign or benign based on one or more of the following criteria: it is a conservative change, it occurs at a poorly conserved position in the protein, it is predicted to be benign by multiple in silico algorithms, and/or has population frequency not consistent with disease.

Athena Diagnostics
Classification: Benign for Autosomal recessive Alport syndrome. Last evaluated: 2017-06-01. Review status: criteria provided, single submitter. Criteria: Athena Diagnostics Criteria. Collection method: clinical testing. Allele origin: germline.

Laboratory for Molecular Medicine, Mass General Brigham Personalized Medicine
Classification: Benign. Last evaluated: 2016-03-21. Review status: criteria provided, single submitter. Criteria: LMM Criteria. Collection method: clinical testing. Allele origin: germline. Observed: 1 variant allele.
Comment: p.Glu594Gly in exon 24 of COL4A4: This variant is not expected to have clinical significance because it has been identified in 7.24% (709/9798) of African chromosomes by the Exome Aggregation Consortium (ExAC; dbSNP rs35998949).

Genomic Diagnostic Laboratory, Division of Genomic Diagnostics, Children's Hospital of Philadelphia
Classification: Likely benign. Last evaluated: 2015-02-05. Review status: criteria provided, single submitter. Criteria: DGD Variant Analysis Guidelines. Collection method: clinical testing. Allele origin: unknown.

Breakthrough Genomics
Classification: Likely benign. Review status: criteria provided, single submitter. Criteria: ACMG Guidelines, 2015. Collection method: not provided. Allele origin: germline. Inheritance: Autosomal recessive inheritance. Affected: yes.

PreventionGenetics, part of Exact Sciences
Classification: Benign. Review status: criteria provided, single submitter. Criteria: ACMG Guidelines, 2015. Collection method: clinical testing. Allele origin: germline.

Natera, Inc.
Classification: Benign for Alport syndrome. Last evaluated: 2020-09-16. Review status: no assertion criteria provided. Collection method: clinical testing. Allele origin: germline. Not counted in ClinVar's aggregate classification.

Literature cited by the submitters: PubMed 29924831 (cited by Mayo Clinic Laboratories, Mayo Clinic).

NM_000092.5(COL4A4):c.1781A>G (p.Glu594Gly)

Gene: COL4A4 (collagen type IV alpha 4 chain; minus strand). Cytogenetic location: 2q36.3.
Variant type: single nucleotide variant.
Coding change: c.1781A>G on transcript NM_000092.5 (MANE Select); coding-DNA position 1781, A replaced by G.
Protein change: p.Glu594Gly; replaces glutamic acid 594 with glycine.
Molecular consequence: missense variant.
Genome position (GRCh38, 1-based): chr2:227,080,465, T>C on the plus strand (A>G on the coding strand, the complement: COL4A4 is on the minus strand). VCF-style: chr2-227080465-T-C. GRCh37 (hg19) VCF-style: chr2-227945181-T-C.
Other names: short protein forms E594G.
Identifiers: ClinVar variation 218426 (VCV000218426.29), dbSNP rs35998949, ClinGen allele CA249233.
Genomic context (GRCh38, chr2:227,080,465, plus strand): 5'-AAAGTGAAATTCTATAGCAAGAGAAGAATTCTACATACTGGAGGTCCTGGATCCCCTTTT[T>C]CTCCAGCATGTCCATCCCGACCATGTGATCCTGGCTGCCCTGGAAATCCTGGGGGCCCAT-3'
Protein context (NP_000083.3, residues 584-604): GSHGRDGHAG[Glu594Gly]KGDPGPPGDH